The following is an entry in ClinVar:

NM_033305.3(VPS13A):c.1231_1234del (p.Lys411fs)

Gene: VPS13A (vacuolar protein sorting 13 homolog A; plus strand). Cytogenetic location: 9q21.2.
Variant type: Microsatellite.
Coding change: c.1231_1234del on transcript NM_033305.3 (MANE Select); coding-DNA positions 1231 to 1234, 4 bases deleted (AAAG; older notation c.1231_1234delAAAG).
Protein change: p.Lys411fs; shifts the reading frame from lysine 411.
Molecular consequence: frameshift variant.
Genome position (GRCh38, 1-based): chr9:77,226,472-77,226,475, AAAG deleted; deleting any 4 consecutive bases within chr9:77,226,468-77,226,475 gives the same sequence; the c. name uses the placement nearest the transcript's 3' end. VCF-style (leftmost placement, unchanged base first): chr9-77226467-TAAAG-T. GRCh37 (hg19) VCF-style: chr9-79841383-TAAAG-T.
Other names: c.1231_1234del, p.Lys411fs (NM_001018037.2, NM_001018038.3, NM_015186.4); short protein forms K411fs.
Identifiers: ClinVar variation 4816375 (VCV004816375.1).
Genomic context (GRCh38, chr9:77,226,467, plus strand): 5'-TGTTTCAGTTGCTAAATAAAGGATAATGTGTCATTTATTTGAAAATTTATTCATTTTAGG[TAAAG>T]AAAGCTGGATACAAAATTTACAAAGAAGGAGTAAAAGATCCAGAGGATAATAAAGGGTGG-3'

ClinVar aggregate classification (germline): Likely pathogenic (1 of 4 stars; one submission).

Conditions:
VPS13A-related neurodegenerative disease. Also called: LEVINE-CRITCHLEY SYNDROME; Choreoacanthocytosis; Chorea-acanthocytosis; ACANTHOCYTOSIS WITH NEUROLOGIC DISORDER; VPS13A Disease; Choreaacanthocytosis. Identifiers: Orphanet 2388, MedGen C0393576, MONDO:0008695, OMIM 200150.

Submission:

Natera, Inc.
Classification: Likely pathogenic for Choreaacanthocytosis. Last evaluated: 2025-09-15. Review status: criteria provided, single submitter. Criteria: Natera Variant Classification Schema (03/2026). Collection method: clinical testing. Allele origin: germline.
Comment: The c.1231_1234del variant in VPS13A is a frameshift variant predicted to shift the reading frame beginning at codon 411 and leads to a stop codon 10 codons downstream. This variant is expected to result in nonsense mediated decay, truncation, or a dysfunctional protein product. This variant is rare in the general population with a frequency below the threshold expected for the associated phenotype(s). Given the available evidence, this variant is classified as Likely Pathogenic.